The following is an entry in ClinVar:

NM_021926.4(ALX4):c.*25C>T

Gene: ALX4 (ALX homeobox 4; minus strand). Cytogenetic location: 11p11.2.
Variant type: single nucleotide variant.
Coding change: c.*25C>T on transcript NM_021926.4 (MANE Select); 25 bases downstream of the stop codon, C replaced by T.
Molecular consequence: 3 prime UTR variant.
Genome position (GRCh38, 1-based): chr11:44,264,829, G>A on the plus strand (C>T on the coding strand, the complement: ALX4 is on the minus strand). VCF-style: chr11-44264829-G-A. GRCh37 (hg19) VCF-style: chr11-44286379-G-A.
Other names: c.*25C>T (LRG_1256t1).
Identifiers: ClinVar variation 304697 (VCV000304697.5), dbSNP rs780898515, ClinGen allele CA5955485.

ClinVar aggregate classification (germline): Likely benign (1 of 4 stars; one submission).

Conditions:
Parietal foramina 2 (PFM2). Identifiers: Orphanet 60015, MedGen C1865044, MONDO:0012309, OMIM 609597.

Allele frequency attached by ClinVar (database versions not stated): gnomAD 0.00001 and 0.00003; TOPMed 0.00002; ExAC 0.00003; gnomAD exomes 0.00006.
gnomAD v4.1: 41 of 1,609,956 alleles (0.0025%); highest among the groups gnomAD compares: South Asian, 0.044%; no homozygotes.

Submission:

Illumina Laboratory Services, Illumina
Classification: Likely benign for Parietal foramina 2. Last evaluated: 2018-01-13. Review status: criteria provided, single submitter. Criteria: ICSL Variant Classification Criteria 13 December 2019. Collection method: clinical testing. Allele origin: germline.
Comment: This variant was observed in the ICSL laboratory as part of a predisposition screen in an ostensibly healthy population. It had not been previously curated by ICSL or reported in the Human Gene Mutation Database (HGMD: prior to June 1st, 2018), and was therefore a candidate for classification through an automated scoring system. Utilizing variant allele frequency, disease prevalence and penetrance estimates, and inheritance mode, an automated score was calculated to assess if this variant is too frequent to cause the disease. Based on the score and internal cut-off values, a variant classified as likely benign is not then subjected to further curation. The score for this variant resulted in a classification of likely benign for this disease.